The following is an entry in ClinVar:

ClinVar aggregate classification (germline): Uncertain significance (1 of 4 stars; one submission).

Submission:

Ambry Genetics
Classification: Uncertain significance. Last evaluated: 2025-04-12. Review status: criteria provided, single submitter. Criteria: Ambry Variant Classification Scheme 2023. Collection method: clinical testing. Allele origin: germline.
Comment: The p.A212P variant (also known as c.634G>C), located in coding exon 4 of the ATRIP gene, results from a G to C substitution at nucleotide position 634. The alanine at codon 212 is replaced by proline, an amino acid with highly similar properties. This amino acid position is conserved. In addition, this alteration is predicted to be tolerated by in silico analysis. Based on the available evidence, the clinical significance of this variant remains unclear.

NM_130384.3(ATRIP):c.634G>C (p.Ala212Pro)

Genes: ATRIP (ATR interacting protein; plus strand), ATRIP-TREX1 (ATRIP-TREX1 readthrough; plus strand). Cytogenetic location: 3p21.31.
Variant type: single nucleotide variant.
Coding change: c.634G>C on transcript NM_130384.3 (MANE Select); coding-DNA position 634, G replaced by C.
Protein change: p.Ala212Pro; replaces alanine 212 with proline.
Molecular consequence: missense variant. On other transcripts: non-coding transcript variant (1).
Genome position (GRCh38, 1-based): chr3:48,454,381, G>C. VCF-style: chr3-48454381-G-C. GRCh37 (hg19) VCF-style: chr3-48495781-G-C.
Other names: c.253G>C, p.Ala85Pro (NM_001271022.2); c.355G>C, p.Ala119Pro (NM_001271023.2); c.634G>C, p.Ala212Pro (NM_032166.4); short protein forms A119P, A212P, A85P.
Identifiers: ClinVar variation 3976073 (VCV003976073.1).